The following is an entry in ClinVar:

ClinVar aggregate classification (germline): Uncertain significance. Review status: criteria provided, multiple submitters, no conflicts (2 of 4 stars). 3 submissions from 3 submitters: Uncertain significance (3). Last evaluated 2026-01-19.

Conditions:
Hereditary cancer-predisposing syndrome. Also called: Neoplastic Syndromes, Hereditary; Tumor predisposition; Hereditary neoplastic syndrome; Hereditary Cancer Syndrome. Identifiers: Orphanet 140162, MedGen C0027672, MeSH D009386, MONDO:0015356.
Familial adenomatous polyposis 1 (FAP1). Also called: POLYPOSIS, ADENOMATOUS INTESTINAL; FAMILIAL ADENOMATOUS POLYPOSIS 1, ATTENUATED. Identifiers: MedGen C2713442, MONDO:0021056, OMIM 175100. Disease mechanism: loss of function.

Submissions (3):

Labcorp Genetics (formerly Invitae), Labcorp
Classification: Uncertain significance for Familial adenomatous polyposis 1. Last evaluated: 2026-01-19. Review status: criteria provided, single submitter. Criteria: Invitae Variant Classification Sherloc (09022015). Collection method: clinical testing. Allele origin: germline.
Comment: This sequence change replaces glutamic acid, which is acidic and polar, with alanine, which is neutral and non-polar, at codon 2457 of the APC protein (p.Glu2457Ala). This variant is not present in population databases (gnomAD no frequency). This variant has not been reported in the literature in individuals affected with APC-related conditions. ClinVar contains an entry for this variant (Variation ID: 826997). Invitae Evidence Modeling of protein sequence and biophysical properties (such as structural, functional, and spatial information, amino acid conservation, physicochemical variation, residue mobility, and thermodynamic stability) indicates that this missense variant is not expected to disrupt APC protein function with a negative predictive value of 95%. In summary, the available evidence is currently insufficient to determine the role of this variant in disease. Therefore, it has been classified as a Variant of Uncertain Significance.

Baylor Genetics
Classification: Uncertain significance for Familial adenomatous polyposis 1. Last evaluated: 2024-02-05. Review status: criteria provided, single submitter. Criteria: ACMG Guidelines, 2015. Collection method: clinical testing. Allele origin: unknown.

Ambry Genetics
Classification: Uncertain significance for Hereditary cancer-predisposing syndrome. Last evaluated: 2018-08-16. Review status: criteria provided, single submitter. Criteria: Ambry Variant Classification Scheme 2023. Collection method: clinical testing. Allele origin: germline.
Comment: The p.E2457A variant (also known as c.7370A>C), located in coding exon 15 of the APC gene, results from an A to C substitution at nucleotide position 7370. The glutamic acid at codon 2457 is replaced by alanine, an amino acid with dissimilar properties. This amino acid position is highly conserved in available vertebrate species. In addition, in silico predictors for this gene do not accurately predict pathogenicity. Since supporting evidence is limited at this time, the clinical significance of this alteration remains unclear.

NM_000038.6(APC):c.7370A>C (p.Glu2457Ala)

Gene: APC (APC regulator of Wnt signaling pathway; plus strand). Cytogenetic location: 5q22.2.
Variant type: single nucleotide variant.
Coding change: c.7370A>C on transcript NM_000038.6 (MANE Select); coding-DNA position 7370, A replaced by C.
Protein change: p.Glu2457Ala; replaces glutamic acid 2457 with alanine.
Molecular consequence: missense variant.
Genome position (GRCh38, 1-based): chr5:112,842,964, A>C. VCF-style: chr5-112842964-A-C. GRCh37 (hg19) VCF-style: chr5-112178661-A-C.
Other names: c.7370A>C, p.Glu2457Ala (NM_001127510.3, NM_001354895.2); c.7316A>C, p.Glu2439Ala (NM_001127511.3); c.7424A>C, p.Glu2475Ala (NM_001354896.2); c.7400A>C, p.Glu2467Ala (NM_001354897.2); c.7295A>C, p.Glu2432Ala (NM_001354898.2); c.7286A>C, p.Glu2429Ala (NM_001354899.2); c.7247A>C, p.Glu2416Ala (NM_001354900.2); c.7193A>C, p.Glu2398Ala (NM_001354901.2); and 5 more; short protein forms E2467A, E2475A, E2457A, E2297A, E2366A, E2398A, E2429A, E2432A.
Identifiers: ClinVar variation 826997 (VCV000826997.13), dbSNP rs1580681655, ClinGen allele CA16037384.
Genomic context (GRCh38, chr5:112,842,964, plus strand): 5'-TAGTACGCCAGTCAACTTTCATCAAAGAAGCTCCAAGCCCAACCTTAAGAAGAAAATTGG[A>C]GGAATCTGCTTCATTTGAATCTCTTTCTCCATCATCTAGACCAGCTTCTCCCACTAGGTC-3'
Protein context (NP_000029.2, residues 2447-2467): APSPTLRRKL[Glu2457Ala]ESASFESLSP